The following is an entry in ClinVar:

ClinVar aggregate classification (germline): Uncertain significance (1 of 4 stars; one submission).

Conditions:
PKD1-related disorder. Also called: PKD1-related condition.

Submission:

PreventionGenetics, part of Exact Sciences
Classification: Uncertain significance for PKD1-related condition. Last evaluated: 2025-02-15. Review status: criteria provided, single submitter. Criteria: ACMG Guidelines, 2015. Collection method: clinical testing. Allele origin: germline.
Comment: The PKD1 c.6028C>A variant is predicted to result in the amino acid substitution p.Leu2010Met. To our knowledge, this variant has not been reported in the literature or in a large population database (gnomAD), indicating this variant is rare. At this time, the clinical significance of this variant is uncertain due to the absence of conclusive functional and genetic evidence.

NM_001009944.3(PKD1):c.6028C>A (p.Leu2010Met)

Gene: PKD1 (polycystin 1, transient receptor potential channel interacting; minus strand). Cytogenetic location: 16p13.3.
Variant type: single nucleotide variant.
Coding change: c.6028C>A on transcript NM_001009944.3 (MANE Select); coding-DNA position 6028, C replaced by A.
Protein change: p.Leu2010Met; replaces leucine 2010 with methionine.
Molecular consequence: missense variant.
Genome position (GRCh38, 1-based): chr16:2,109,139, G>T on the plus strand (C>A on the coding strand, the complement: PKD1 is on the minus strand). VCF-style: chr16-2109139-G-T. GRCh37 (hg19) VCF-style: chr16-2159140-G-T.
Other names: c.6028C>A, p.Leu2010Met (NM_000296.4); short protein forms L2010M.
Identifiers: ClinVar variation 5001658 (VCV005001658.1).